The following is an entry in ClinVar:

ClinVar aggregate classification (germline): Benign (3 of 4 stars; one submission).

Conditions:
Breast-ovarian cancer, familial, susceptibility to, 2 (BROVCA2). Also called: BRCA2 Hereditary Breast and Ovarian Cancer. Identifiers: Orphanet 145, MedGen C2675520, MONDO:0012933, OMIM 612555. Disease mechanism: loss of function.

Submission:

Evidence-based Network for the Interpretation of Germline Mutant Alleles (ENIGMA)
Classification: Benign for Breast-ovarian cancer, familial, susceptibility to, 2. Last evaluated: 2016-09-28. Review status: reviewed by expert panel. Criteria: ENIGMA BRCA1/2 Classification Criteria (2015). Collection method: curation. Allele origin: germline.
Comment: Class 1 not pathogenic based on frequency >1% in an outbred sampleset. Frequency 0.7525 (European), 0.6467 (African), 0.6657 (Admixed American/Latino), 0.5496 (East Asian), 0.7137 (South Asian), derived from 1000 genomes (2013-05-02).

NM_000059.4(BRCA2):c.9257-6553dup

Gene: BRCA2 (BRCA2 DNA repair associated; plus strand). Cytogenetic location: 13q13.1.
Variant type: Duplication.
Coding change: c.9257-6553dup on transcript NM_000059.4 (MANE Select); 6553 bases into the intron before coding-DNA position 9257, one base duplicated (T; older notation c.9257-6553dupT).
Molecular consequence: intron variant.
Genome position (GRCh38, 1-based): chr13:32,388,136, T duplicated; the last of 15 consecutive T bases (chr13:32,388,122-32,388,136); duplicating any one gives the same sequence. VCF-style (leftmost placement, unchanged base first): chr13-32388121-C-CT. GRCh37 (hg19) VCF-style: chr13-32962258-C-CT.
Identifiers: ClinVar variation 264867 (VCV000264867.1), dbSNP rs34184533, ClinGen allele CA10588167.